The following is an entry in ClinVar:

NM_080669.6(SLC46A1):c.941C>G (p.Pro314Arg)

Gene: SLC46A1 (solute carrier family 46 member 1; minus strand). Cytogenetic location: 17q11.2.
Variant type: single nucleotide variant.
Coding change: c.941C>G on transcript NM_080669.6 (MANE Select); coding-DNA position 941, C replaced by G.
Protein change: p.Pro314Arg; replaces proline 314 with arginine.
Molecular consequence: missense variant.
Genome position (GRCh38, 1-based): chr17:28,404,756, G>C on the plus strand (C>G on the coding strand, the complement: SLC46A1 is on the minus strand). VCF-style: chr17-28404756-G-C. GRCh37 (hg19) VCF-style: chr17-26731774-G-C.
Other names: c.941C>G, p.Pro314Arg (NM_001242366.3); short protein forms P314R.
Identifiers: ClinVar variation 2843634 (VCV002843634.3), dbSNP rs2508287273, ClinGen allele CA398347044.

ClinVar aggregate classification (germline): Uncertain significance (1 of 4 stars; one submission).

Submission:

Labcorp Genetics (formerly Invitae), Labcorp
Classification: Uncertain significance. Last evaluated: 2023-03-08. Review status: criteria provided, single submitter. Criteria: Invitae Variant Classification Sherloc (09022015). Collection method: clinical testing. Allele origin: germline.
Comment: This sequence change replaces proline, which is neutral and non-polar, with arginine, which is basic and polar, at codon 314 of the SLC46A1 protein (p.Pro314Arg). This variant is not present in population databases (gnomAD no frequency). This variant has not been reported in the literature in individuals affected with SLC46A1-related conditions. Advanced modeling of protein sequence and biophysical properties (such as structural, functional, and spatial information, amino acid conservation, physicochemical variation, residue mobility, and thermodynamic stability) performed at Invitae indicates that this missense variant is not expected to disrupt SLC46A1 protein function. In summary, the available evidence is currently insufficient to determine the role of this variant in disease. Therefore, it has been classified as a Variant of Uncertain Significance.